The following is an entry in ClinVar:

NM_004068.4(AP2M1):c.1054G>A (p.Val352Met)

Gene: AP2M1 (adaptor related protein complex 2 subunit mu 1; plus strand). Cytogenetic location: 3q27.1.
Variant type: single nucleotide variant.
Coding change: c.1054G>A on transcript NM_004068.4 (MANE Select); coding-DNA position 1054, G replaced by A.
Protein change: p.Val352Met; replaces valine 352 with methionine.
Molecular consequence: missense variant.
Genome position (GRCh38, 1-based): chr3:184,182,241, G>A. VCF-style: chr3-184182241-G-A. GRCh37 (hg19) VCF-style: chr3-183900029-G-A.
Other names: c.1048G>A, p.Val350Met (NM_001025205.2); c.1129G>A, p.Val377Met (NM_001311198.2); c.1054G>A (NM_004068.3); short protein forms V350M, V352M, V377M.
Identifiers: ClinVar variation 2654309 (VCV002654309.28), dbSNP rs1006265324, ClinGen allele CA88862890.

ClinVar aggregate classification (germline): Uncertain significance. Review status: criteria provided, multiple submitters, no conflicts (2 of 4 stars). 3 submissions from 3 submitters: Uncertain significance (3). Last evaluated 2024-05-26.

Conditions:
Inborn genetic diseases. Identifiers: MedGen C0950123, MeSH D030342.

Allele frequency attached by ClinVar (database versions not stated): gnomAD exomes below 0.00001; gnomAD 0.00001; TOPMed 0.00001.
gnomAD v4.1: 5 of 1,613,902 alleles (0.00031%); highest among the groups gnomAD compares: Non-Finnish European, 0.00042%; no homozygotes.

Submissions (3):

Ambry Genetics
Classification: Uncertain significance for Inborn genetic diseases. Last evaluated: 2024-05-26. Review status: criteria provided, single submitter. Criteria: Ambry Variant Classification Scheme 2023. Collection method: clinical testing. Allele origin: germline.

Labcorp Genetics (formerly Invitae), Labcorp
Classification: Uncertain significance. Last evaluated: 2023-10-17. Review status: criteria provided, single submitter. Criteria: Invitae Variant Classification Sherloc (09022015). Collection method: clinical testing. Allele origin: germline.
Comment: This sequence change replaces valine, which is neutral and non-polar, with methionine, which is neutral and non-polar, at codon 352 of the AP2M1 protein (p.Val352Met). This variant is present in population databases (no rsID available, gnomAD 0.0009%). This variant has not been reported in the literature in individuals affected with AP2M1-related conditions. An algorithm developed to predict the effect of missense changes on protein structure and function (PolyPhen-2) suggests that this variant is likely to be disruptive. In summary, the available evidence is currently insufficient to determine the role of this variant in disease. Therefore, it has been classified as a Variant of Uncertain Significance.

CeGaT Center for Human Genetics Tuebingen
Classification: Uncertain significance. Last evaluated: 2023-10-01. Review status: criteria provided, single submitter. Criteria: CeGaT Center For Human Genetics Tuebingen Variant Classification Criteria Version 2. Collection method: clinical testing. Allele origin: germline. Affected: yes. Observed: 1 variant allele.
Comment: AP2M1: PP2